The following is an entry in ClinVar:

ClinVar aggregate classification (germline): Likely benign (1 of 4 stars; one submission).

Conditions:
Weill-Marchesani 4 syndrome, recessive. Also called: Weill-Marchesani syndrome 4. Identifiers: Orphanet 363992, MedGen C2750787, MONDO:0013176, OMIM 613195.

Allele frequency attached by ClinVar (database versions not stated): 1000 Genomes Project 30x 0.00281; 1000 Genomes Project 0.00339; TOPMed 0.00618.

Submission:

Illumina Laboratory Services, Illumina
Classification: Likely benign for Weill-Marchesani 4 syndrome, recessive. Last evaluated: 2018-01-13. Review status: criteria provided, single submitter. Criteria: ICSL Variant Classification Criteria 13 December 2019. Collection method: clinical testing. Allele origin: germline.
Comment: This variant was observed in the ICSL laboratory as part of a predisposition screen in an ostensibly healthy population. It had not been previously curated by ICSL or reported in the Human Gene Mutation Database (HGMD: prior to June 1st, 2018), and was therefore a candidate for classification through an automated scoring system. Utilizing variant allele frequency, disease prevalence and penetrance estimates, and inheritance mode, an automated score was calculated to assess if this variant is too frequent to cause the disease. Based on the score and internal cut-off values, a variant classified as likely benign is not then subjected to further curation. The score for this variant resulted in a classification of likely benign for this disease.

NM_139057.4(ADAMTS17):c.*2354C>G

Gene: ADAMTS17 (ADAM metallopeptidase with thrombospondin type 1 motif 17; minus strand). Cytogenetic location: 15q26.3.
Variant type: single nucleotide variant.
Coding change: c.*2354C>G on transcript NM_139057.4 (MANE Select); 2354 bases downstream of the stop codon, C replaced by G.
Molecular consequence: 3 prime UTR variant.
Genome position (GRCh38, 1-based): chr15:99,972,048, G>C on the plus strand (C>G on the coding strand, the complement: ADAMTS17 is on the minus strand). VCF-style: chr15-99972048-G-C. GRCh37 (hg19) VCF-style: chr15-100512253-G-C.
Identifiers: ClinVar variation 315147 (VCV000315147.5), dbSNP rs8036076, ClinGen allele CA10642820.